The following is an entry in ClinVar:

ClinVar aggregate classification (germline): Uncertain significance (1 of 4 stars; one submission).

Allele frequency attached by ClinVar (database versions not stated): TOPMed below 0.00001.

Submission:

Labcorp Genetics (formerly Invitae), Labcorp
Classification: Uncertain significance. Last evaluated: 2023-07-17. Review status: criteria provided, single submitter. Criteria: Invitae Variant Classification Sherloc (09022015). Collection method: clinical testing. Allele origin: germline.
Comment: Advanced modeling of protein sequence and biophysical properties (such as structural, functional, and spatial information, amino acid conservation, physicochemical variation, residue mobility, and thermodynamic stability) performed at Invitae indicates that this missense variant is not expected to disrupt ADGRV1 protein function. ClinVar contains an entry for this variant (Variation ID: 1460723). This variant has not been reported in the literature in individuals affected with ADGRV1-related conditions. This variant is not present in population databases (gnomAD no frequency). This sequence change replaces tyrosine, which is neutral and polar, with cysteine, which is neutral and slightly polar, at codon 5463 of the ADGRV1 protein (p.Tyr5463Cys). In summary, the available evidence is currently insufficient to determine the role of this variant in disease. Therefore, it has been classified as a Variant of Uncertain Significance.

NM_032119.4(ADGRV1):c.16388A>G (p.Tyr5463Cys)

Gene: ADGRV1 (adhesion G protein-coupled receptor V1; plus strand). Cytogenetic location: 5q14.3.
Variant type: single nucleotide variant.
Coding change: c.16388A>G on transcript NM_032119.4 (MANE Select); coding-DNA position 16388, A replaced by G.
Protein change: p.Tyr5463Cys; replaces tyrosine 5463 with cysteine.
Molecular consequence: missense variant. On other transcripts: non-coding transcript variant (1).
Genome position (GRCh38, 1-based): chr5:90,828,963, A>G. VCF-style: chr5-90828963-A-G. GRCh37 (hg19) VCF-style: chr5-90124780-A-G.
Other names: short protein forms Y5463C.
Identifiers: ClinVar variation 1460723 (VCV001460723.8), dbSNP rs1764295076, ClinGen allele CA360426681.